The following is an entry in ClinVar:

ClinVar aggregate classification (germline): Benign. Review status: criteria provided, multiple submitters, no conflicts (2 of 4 stars). 2 submissions from 2 submitters: Benign (2). Last evaluated 2018-06-14.

Allele frequency attached by ClinVar (database versions not stated): 1000 Genomes Project 30x 0.04060; 1000 Genomes Project 0.04173; TOPMed 0.05489; gnomAD 0.05749 and 0.05754.
gnomAD v4.1: 8,848 of 152,310 alleles (5.8%); highest among the groups gnomAD compares: Middle Eastern, 14%; 342 homozygotes.

Submissions (2):

GeneDx
Classification: Benign. Last evaluated: 2018-06-14. Review status: criteria provided, single submitter. Criteria: GeneDx Variant Classification (06012015). Collection method: clinical testing. Allele origin: germline. Affected: yes.
Comment: This variant is considered likely benign or benign based on one or more of the following criteria: it is a conservative change, it occurs at a poorly conserved position in the protein, it is predicted to be benign by multiple in silico algorithms, and/or has population frequency not consistent with disease.

Breakthrough Genomics
Classification: Benign. Review status: criteria provided, single submitter. Criteria: ACMG Guidelines, 2015. Collection method: not provided. Allele origin: germline. Inheritance: Autosomal recessive inheritance. Affected: yes.

NM_016035.5(COQ4):c.299+189C>T

Gene: COQ4 (coenzyme Q4; plus strand). Cytogenetic location: 9q34.11.
Variant type: single nucleotide variant.
Coding change: c.299+189C>T on transcript NM_016035.5 (MANE Select); 189 bases into the intron after coding-DNA position 299, C replaced by T.
Molecular consequence: intron variant.
Genome position (GRCh38, 1-based): chr9:128,325,428, C>T. VCF-style: chr9-128325428-C-T. GRCh37 (hg19) VCF-style: chr9-131087707-C-T.
Other names: c.203-351C>T (NM_001305942.2).
Identifiers: ClinVar variation 683560 (VCV000683560.2), dbSNP rs76294691, ClinGen allele CA200334677.